The following is an entry in ClinVar:

NM_020529.3(NFKBIA):c.86G>A (p.Arg29His)

Gene: NFKBIA (NFKB inhibitor alpha; minus strand). Cytogenetic location: 14q13.2.
Variant type: single nucleotide variant.
Coding change: c.86G>A on transcript NM_020529.3 (MANE Select); coding-DNA position 86, G replaced by A.
Protein change: p.Arg29His; replaces arginine 29 with histidine.
Molecular consequence: missense variant.
Genome position (GRCh38, 1-based): chr14:35,404,559, C>T on the plus strand (G>A on the coding strand, the complement: NFKBIA is on the minus strand). VCF-style: chr14-35404559-C-T. GRCh37 (hg19) VCF-style: chr14-35873765-C-T.
Other names: short protein forms R29H.
Identifiers: ClinVar variation 870854 (VCV000870854.44), dbSNP rs754412949, ClinGen allele CA389455345.

ClinVar aggregate classification (germline): Uncertain significance. Review status: criteria provided, multiple submitters, no conflicts (2 of 4 stars). 2 submissions from 2 submitters: Uncertain significance (2). Last evaluated 2023-09-15.

Conditions:
Ectodermal dysplasia and immunodeficiency 2. Identifiers: Orphanet 238468, Orphanet 98813, MedGen C2677481, MONDO:0012806, OMIM 612132.

Submissions (2):

Labcorp Genetics (formerly Invitae), Labcorp
Classification: Uncertain significance for Ectodermal dysplasia and immunodeficiency 2. Last evaluated: 2023-09-15. Review status: criteria provided, single submitter. Criteria: Invitae Variant Classification Sherloc (09022015). Collection method: clinical testing. Allele origin: germline.
Comment: This variant has not been reported in the literature in individuals affected with NFKBIA-related conditions. ClinVar contains an entry for this variant (Variation ID: 870854). An algorithm developed to predict the effect of missense changes on protein structure and function (PolyPhen-2) suggests that this variant is likely to be disruptive. In summary, the available evidence is currently insufficient to determine the role of this variant in disease. Therefore, it has been classified as a Variant of Uncertain Significance. This sequence change replaces arginine, which is basic and polar, with histidine, which is basic and polar, at codon 29 of the NFKBIA protein (p.Arg29His). This variant is not present in population databases (gnomAD no frequency).

CeGaT Center for Human Genetics Tuebingen
Classification: Uncertain significance. Last evaluated: 2019-07-01. Review status: criteria provided, single submitter. Criteria: CeGaT Center For Human Genetics Tuebingen Variant Classification Criteria Version 2. Collection method: clinical testing. Allele origin: germline. Affected: yes. Observed: 1 variant allele.